The following is an entry in ClinVar:

ClinVar aggregate classification (germline): Uncertain significance (1 of 4 stars; one submission).

Submission:

CeGaT Center for Human Genetics Tuebingen
Classification: Uncertain significance. Last evaluated: 2026-08-01. Review status: criteria provided, single submitter. Criteria: CeGaT Center For Human Genetics Tuebingen Variant Classification Criteria Version 2. Collection method: clinical testing. Allele origin: germline. Affected: yes. Observed: 1 variant allele.
Comment: TRPC3: PM2

NM_001130698.2(TRPC3):c.2186dup (p.Thr730fs)

Gene: TRPC3 (transient receptor potential cation channel subfamily C member 3; minus strand). Cytogenetic location: 4q27.
Variant type: Duplication.
Coding change: c.2186dup on transcript NM_001130698.2 (MANE Select); coding-DNA position 2186, one base duplicated (T; older notation c.2186dupT).
Protein change: p.Thr730fs; shifts the reading frame from threonine 730.
Molecular consequence: frameshift variant.
Genome position (GRCh38, 1-based): chr4:121,904,389, A duplicated on the plus strand (T on the coding strand, the reverse complement: TRPC3 is on the minus strand). VCF-style (leftmost placement, unchanged base first): chr4-121904388-T-TA. GRCh37 (hg19) VCF-style: chr4-122825543-T-TA.
Other names: c.2186dup, p.Thr730fs (NM_001366479.2); c.1967dup, p.Thr657fs (NM_003305.2); short protein forms T657fs, T730fs.
Identifiers: ClinVar variation 5040389 (VCV005040389.1).